The following is an entry in ClinVar:

NM_001199397.3(NEK1):c.187A>G (p.Ile63Val)

Gene: NEK1 (NIMA related kinase 1; minus strand). Cytogenetic location: 4q33.
Variant type: single nucleotide variant.
Coding change: c.187A>G on transcript NM_001199397.3 (MANE Select); coding-DNA position 187, A replaced by G.
Protein change: p.Ile63Val; replaces isoleucine 63 with valine.
Molecular consequence: missense variant. On other transcripts: 5 prime UTR variant (2), non-coding transcript variant (2).
Genome position (GRCh38, 1-based): chr4:169,602,035, T>C on the plus strand (A>G on the coding strand, the complement: NEK1 is on the minus strand). VCF-style: chr4-169602035-T-C. GRCh37 (hg19) VCF-style: chr4-170523186-T-C.
Other names: c.187A>G, p.Ile63Val (NM_001199398.3, NM_001199399.3, NM_001199400.3 and 11 more transcripts); c.-337A>G (NM_001440624.1, NM_001440625.1); short protein forms I63V.
Identifiers: ClinVar variation 5001577 (VCV005001577.1).

ClinVar aggregate classification (germline): Uncertain significance (1 of 4 stars; one submission).

Conditions:
NEK1-related disorder. Also called: NEK1-related condition.

Submission:

PreventionGenetics, part of Exact Sciences
Classification: Uncertain significance for NEK1-related condition. Last evaluated: 2024-12-16. Review status: criteria provided, single submitter. Criteria: ACMG Guidelines, 2015. Collection method: clinical testing. Allele origin: germline.
Comment: The NEK1 c.187A>G variant is predicted to result in the amino acid substitution p.Ile63Val. To our knowledge, this variant has not been reported in the literature. This variant is reported in 0.00089% of alleles in individuals of European (non-Finnish) descent in gnomAD. At this time, the clinical significance of this variant is uncertain due to the absence of conclusive functional and genetic evidence.